The following is an entry in ClinVar:

NM_005883.3(APC2):c.6143C>T (p.Ala2048Val)

Gene: APC2 (APC regulator of Wnt signaling pathway 2; plus strand). Cytogenetic location: 19p13.3.
Variant type: single nucleotide variant.
Coding change: c.6143C>T on transcript NM_005883.3 (MANE Select); coding-DNA position 6143, C replaced by T.
Protein change: p.Ala2048Val; replaces alanine 2048 with valine.
Molecular consequence: missense variant.
Genome position (GRCh38, 1-based): chr19:1,469,444, C>T. VCF-style: chr19-1469444-C-T. GRCh37 (hg19) VCF-style: chr19-1469443-C-T.
Other names: c.6140C>T, p.Ala2047Val (NM_001351273.1); short protein forms A2047V, A2048V.
Identifiers: ClinVar variation 2180454 (VCV002180454.4), dbSNP rs1236366231, ClinGen allele CA403042690.
Genomic context (GRCh38, chr19:1,469,444, plus strand): 5'-GCGGCCGGCCCGCGCTGCCCGCCGTCTTCCTCTGCTCCTCGCGCTGCGAAGAGCTCCGAG[C>T]GGCACCCCGGCAGGGCCCGGCCCCGGCCCGGCAGCGGCCCCCCGCGGCCCGACCCAGCCC-3'
Protein context (NP_005874.1, residues 2038-2058): LCSSRCEELR[Ala2048Val]APRQGPAPAR

ClinVar aggregate classification (germline): Uncertain significance (1 of 4 stars; one submission).

gnomAD v4.1: 6 of 1,158,158 alleles (0.00052%); highest among the groups gnomAD compares: Non-Finnish European, 0.00064%; 1 homozygote.

Submission:

Labcorp Genetics (formerly Invitae), Labcorp
Classification: Uncertain significance. Last evaluated: 2021-12-13. Review status: criteria provided, single submitter. Criteria: Invitae Variant Classification Sherloc (09022015). Collection method: clinical testing. Allele origin: germline.
Comment: Algorithms developed to predict the effect of missense changes on protein structure and function output the following: SIFT: "Tolerated"; PolyPhen-2: "Benign"; Align-GVGD: "Class C0". The valine amino acid residue is found in multiple mammalian species, which suggests that this missense change does not adversely affect protein function. In summary, the available evidence is currently insufficient to determine the role of this variant in disease. Therefore, it has been classified as a Variant of Uncertain Significance. This variant has not been reported in the literature in individuals affected with APC2-related conditions. The frequency data for this variant in the population databases is considered unreliable, as metrics indicate insufficient coverage at this position in the gnomAD database. This sequence change replaces alanine, which is neutral and non-polar, with valine, which is neutral and non-polar, at codon 2048 of the APC2 protein (p.Ala2048Val).